The following is an entry in ClinVar:

ClinVar aggregate classification (germline): Uncertain significance (1 of 4 stars; one submission).

Conditions:
Rhabdoid tumor predisposition syndrome 2 (RTPS2). Identifiers: Orphanet 231108, Orphanet 69077, MedGen C2750074, MONDO:0013224, OMIM 613325.

Submission:

Labcorp Genetics (formerly Invitae), Labcorp
Classification: Uncertain significance for Rhabdoid tumor predisposition syndrome 2. Last evaluated: 2022-09-14. Review status: criteria provided, single submitter. Criteria: Invitae Variant Classification Sherloc (09022015). Collection method: clinical testing. Allele origin: germline.
Comment: This sequence change replaces arginine, which is basic and polar, with proline, which is neutral and non-polar, at codon 444 of the SMARCA4 protein (p.Arg444Pro). This variant is not present in population databases (gnomAD no frequency). This variant has not been reported in the literature in individuals affected with SMARCA4-related conditions. Advanced modeling of protein sequence and biophysical properties (such as structural, functional, and spatial information, amino acid conservation, physicochemical variation, residue mobility, and thermodynamic stability) has been performed at Invitae for this missense variant, however the output from this modeling did not meet the statistical confidence thresholds required to predict the impact of this variant on SMARCA4 protein function. In summary, the available evidence is currently insufficient to determine the role of this variant in disease. Therefore, it has been classified as a Variant of Uncertain Significance.

NM_003072.5(SMARCA4):c.1331G>C (p.Arg444Pro)

Gene: SMARCA4 (SWI/SNF related BAF chromatin remodeling complex subunit ATPase 4; plus strand). Cytogenetic location: 19p13.2.
Variant type: single nucleotide variant.
Coding change: c.1331G>C on transcript NM_003072.5 (MANE Select); coding-DNA position 1331, G replaced by C.
Protein change: p.Arg444Pro; replaces arginine 444 with proline.
Molecular consequence: missense variant. On other transcripts: non-coding transcript variant (1).
Genome position (GRCh38, 1-based): chr19:10,991,235, G>C. VCF-style: chr19-10991235-G-C. GRCh37 (hg19) VCF-style: chr19-11101911-G-C.
Other names: c.1331G>C, p.Arg444Pro (NM_001128844.3, NM_001128845.2, NM_001128846.2 and 6 more transcripts); short protein forms R444P.
Identifiers: ClinVar variation 1715153 (VCV001715153.5), dbSNP rs1052250887, ClinGen allele CA404060797.
Genomic context (GRCh38, chr19:10,991,235, plus strand): 5'-TGCGGAGGGACACAGCGCTGGAGACAGCCCTCAATGCTAAGGCCTACAAGCGCAGCAAGC[G>C]CCAGTCCCTGCGCGAGGCCCGCATCACTGAGAAGCTGGAGAAGCAGCAGAAGATCGAGCA-3'
Protein context (NP_003063.2, residues 434-454): LNAKAYKRSK[Arg444Pro]QSLREARITE